The following is an entry in ClinVar:

NM_181882.3(PRX):c.3475G>C (p.Gly1159Arg)

Gene: PRX (periaxin; minus strand). Cytogenetic location: 19q13.2.
Variant type: single nucleotide variant.
Coding change: c.3475G>C on transcript NM_181882.3 (MANE Select); coding-DNA position 3475, G replaced by C.
Protein change: p.Gly1159Arg; replaces glycine 1159 with arginine.
Molecular consequence: missense variant. On other transcripts: 3 prime UTR variant (1).
Genome position (GRCh38, 1-based): chr19:40,394,877, C>G on the plus strand (G>C on the coding strand, the complement: PRX is on the minus strand). VCF-style: chr19-40394877-C-G. GRCh37 (hg19) VCF-style: chr19-40900784-C-G.
Other names: c.3760G>C, p.Gly1254Arg (NM_001411127.1); c.*3680G>C (NM_020956.2); short protein forms G1159R, G1254R.
Identifiers: ClinVar variation 2163765 (VCV002163765.2), dbSNP rs750903318, ClinGen allele CA405893540.

ClinVar aggregate classification (germline): Uncertain significance (1 of 4 stars; one submission).

Conditions:
Charcot-Marie-Tooth disease type 4. Also called: Charcot-Marie-Tooth disease, type IV; Charcot-Marie-Tooth, Type 4. Identifiers: Orphanet 64749, MedGen C4082197, MONDO:0018995.

gnomAD v4.1: 1 of 1,611,630 alleles (0.000062%); highest among the groups gnomAD compares: Non-Finnish European, 0.000085%; no homozygotes.

Submission:

Labcorp Genetics (formerly Invitae), Labcorp
Classification: Uncertain significance for Charcot-Marie-Tooth disease type 4. Last evaluated: 2022-10-07. Review status: criteria provided, single submitter. Criteria: Invitae Variant Classification Sherloc (09022015). Collection method: clinical testing. Allele origin: germline.
Comment: In summary, the available evidence is currently insufficient to determine the role of this variant in disease. Therefore, it has been classified as a Variant of Uncertain Significance. Advanced modeling of protein sequence and biophysical properties (such as structural, functional, and spatial information, amino acid conservation, physicochemical variation, residue mobility, and thermodynamic stability) performed at Invitae indicates that this missense variant is not expected to disrupt PRX protein function. This variant has not been reported in the literature in individuals affected with PRX-related conditions. This variant is not present in population databases (gnomAD no frequency). This sequence change replaces glycine, which is neutral and non-polar, with arginine, which is basic and polar, at codon 1159 of the PRX protein (p.Gly1159Arg).